The following is an entry in ClinVar:

NM_005188.4(CBL):c.1564-16C>T

Gene: CBL (Cbl proto-oncogene; plus strand). Cytogenetic location: 11q23.3.
Variant type: single nucleotide variant.
Coding change: c.1564-16C>T on transcript NM_005188.4 (MANE Select); 16 bases into the intron before coding-DNA position 1564, C replaced by T.
Molecular consequence: intron variant.
Genome position (GRCh38, 1-based): chr11:119,285,173, C>T. VCF-style: chr11-119285173-C-T. GRCh37 (hg19) VCF-style: chr11-119155883-C-T.
Other names: c.1564-16C>T (NM_005188.3).
Identifiers: ClinVar variation 1666766 (VCV001666766.9), dbSNP rs992126448, ClinGen allele CA229642136.

ClinVar aggregate classification (germline): Likely benign. Review status: criteria provided, multiple submitters, no conflicts (2 of 4 stars). 2 submissions from 2 submitters: Likely benign (2). Last evaluated 2023-08-29.

Conditions:
RASopathy. Also called: rasopathies; Noonan spectrum disorder. Identifiers: Orphanet 536391, MedGen C5555857, MONDO:0021060.

Allele frequency attached by ClinVar (database versions not stated): gnomAD exomes below 0.00001.
gnomAD v4.1: 4 of 1,613,874 alleles (0.00025%); highest among the groups gnomAD compares: Non-Finnish European, 0.00017%; no homozygotes.

Submissions (2):

Women's Health and Genetics/Laboratory Corporation of America, LabCorp
Classification: Likely benign. Last evaluated: 2023-08-29. Review status: criteria provided, single submitter. Criteria: LabCorp Variant Classification Summary - May 2015. Collection method: clinical testing. Allele origin: germline.
Comment: Variant summary: CBL c.1564-16C>T alters a non-conserved nucleotide located at a position not widely known to affect splicing. Consensus agreement among computation tools predict no significant impact on normal splicing. However, these predictions have yet to be confirmed by functional studies. The variant allele was found at a frequency of 4e-06 in 251422 control chromosomes (gnomAD). The available data on variant occurrences in the general population are insufficient to allow any conclusion about variant significance. To our knowledge, no occurrence of c.1564-16C>T in individuals affected with Noonan Syndrome And Related Conditions and no experimental evidence demonstrating its impact on protein function have been reported. One submitter has cited clinical-significance assessments for this variant to ClinVar after 2014 and has classified the variant as likely benign. Based on the evidence outlined above, the variant was classified as likely benign.

Labcorp Genetics (formerly Invitae), Labcorp
Classification: Likely benign for RASopathy. Last evaluated: 2023-01-18. Review status: criteria provided, single submitter. Criteria: Invitae Variant Classification Sherloc (09022015). Collection method: clinical testing. Allele origin: germline.